The following is an entry in ClinVar:

NM_000433.4(NCF2):c.394G>C (p.Ala132Pro)

Gene: NCF2 (neutrophil cytosolic factor 2; minus strand). Cytogenetic location: 1q25.3.
Variant type: single nucleotide variant.
Coding change: c.394G>C on transcript NM_000433.4 (MANE Select); coding-DNA position 394, G replaced by C.
Protein change: p.Ala132Pro; replaces alanine 132 with proline.
Molecular consequence: missense variant. On other transcripts: intron variant (2).
Genome position (GRCh38, 1-based): chr1:183,574,594, C>G on the plus strand (G>C on the coding strand, the complement: NCF2 is on the minus strand). VCF-style: chr1-183574594-C-G. GRCh37 (hg19) VCF-style: chr1-183543729-C-G.
Other names: c.394G>C, p.Ala132Pro (NM_001127651.3, NM_001410895.1); c.366+3005G>C (NM_001190789.2); c.367-1302G>C (NM_001190794.2); short protein forms A132P.
Identifiers: ClinVar variation 2006941 (VCV002006941.4), dbSNP rs2527964665, ClinGen allele CA343677887.

ClinVar aggregate classification (germline): Uncertain significance (1 of 4 stars; one submission).

Conditions:
Granulomatous disease, chronic, autosomal recessive, cytochrome b-positive, type 2. Also called: Chronic granulomatous disease due to deficiency of NCF-2; GRANULOMATOUS DISEASE, CHRONIC, AUTOSOMAL RECESSIVE, 2; Chronic Granulomatous Disease, Autosomal Recessive, Cytochrome b-Positive, Type II; CGD, AUTOSOMAL RECESSIVE CYTOCHROME b-POSITIVE, TYPE II; GRANULOMATOUS DISEASE, CHRONIC, DUE TO NCF2 DEFICIENCY. Identifiers: Orphanet 379, MedGen C1856245, MONDO:0009310, OMIM 233710.

Submission:

Labcorp Genetics (formerly Invitae), Labcorp
Classification: Uncertain significance for Granulomatous disease, chronic, autosomal recessive, cytochrome b-positive, type 2. Last evaluated: 2022-06-22. Review status: criteria provided, single submitter. Criteria: Invitae Variant Classification Sherloc (09022015). Collection method: clinical testing. Allele origin: germline.
Comment: This variant is not present in population databases (gnomAD no frequency). This variant has not been reported in the literature in individuals affected with NCF2-related conditions. Algorithms developed to predict the effect of missense changes on protein structure and function are either unavailable or do not agree on the potential impact of this missense change (SIFT: "Deleterious"; PolyPhen-2: "Probably Damaging"; Align-GVGD: "Class C0"). Algorithms developed to predict the effect of sequence changes on RNA splicing suggest that this variant may create or strengthen a splice site. In summary, the available evidence is currently insufficient to determine the role of this variant in disease. Therefore, it has been classified as a Variant of Uncertain Significance. This sequence change replaces alanine, which is neutral and non-polar, with proline, which is neutral and non-polar, at codon 132 of the NCF2 protein (p.Ala132Pro).